The following is an entry in ClinVar:

ClinVar aggregate classification (germline): Likely benign (1 of 4 stars; one submission).

Allele frequency attached by ClinVar (database versions not stated): 1000 Genomes Project 0.00060; 1000 Genomes Project 30x 0.00094; ExAC 0.00145; TOPMed 0.00242; gnomAD 0.00282.
gnomAD v4.1: 5,630 of 1,520,338 alleles (0.37%); highest among the groups gnomAD compares: Non-Finnish European, 0.44%; 20 homozygotes.

Submissions (2):

CeGaT Center for Human Genetics Tuebingen
Classification: Likely benign. Last evaluated: 2022-04-01. Review status: criteria provided, single submitter. Criteria: CeGaT Center For Human Genetics Tuebingen Variant Classification Criteria Version 2. Collection method: clinical testing. Allele origin: germline. Affected: yes. Observed: 1 variant allele.
Comment: DNAH14: BP4, BP7

Dr. Peter K. Rogan Lab, Western University
No classification provided (evidence only). Condition: Hepatocellular carcinoma. Review status: no classification provided. Collection method: in vitro. Allele origin: not applicable. Functional consequence: retained intron. Not counted in ClinVar's aggregate classification.

NM_001367479.1(DNAH14):c.11562G>A (p.Thr3854=)

Gene: DNAH14 (dynein axonemal heavy chain 14; plus strand). Cytogenetic location: 1q42.12.
Variant type: single nucleotide variant.
Coding change: c.11562G>A on transcript NM_001367479.1 (MANE Select); coding-DNA position 11562, G replaced by A.
Protein change: p.Thr3854=; no amino-acid change (threonine 3854 retained).
Molecular consequence: synonymous variant.
Genome position (GRCh38, 1-based): chr1:225,353,831, G>A. VCF-style: chr1-225353831-G-A. GRCh37 (hg19) VCF-style: chr1-225541533-G-A.
Other names: NC_000001.10:g.225541533G>A.
Identifiers: ClinVar variation 2639953 (VCV002639953.25), dbSNP rs192354509, ClinGen allele CA1416736.
Genomic context (GRCh38, chr1:225,353,831, plus strand): 5'-AATGCCAGTTTCTTTCTCTAAATTATATCTAGCTGAACTTTTGAATGAAAATAAAGAAAC[G>A]TGTAATCCTATAAATTTTCCCTGGGAGAAACTCACTTCATTTCAAAGACTTATTTTGGTA-3'
Protein context (NP_001354408.1, residues 3844-3864): ETELLNENKE[Thr3854=]CNPINFPWEK